The following is an entry in ClinVar:

ClinVar aggregate classification (germline): Uncertain significance (1 of 4 stars; one submission).

Allele frequency attached by ClinVar (database versions not stated): ExAC 0.00005.

Submission:

Labcorp Genetics (formerly Invitae), Labcorp
Classification: Uncertain significance. Last evaluated: 2022-03-20. Review status: criteria provided, single submitter. Criteria: Invitae Variant Classification Sherloc (09022015). Collection method: clinical testing. Allele origin: germline.
Comment: This sequence change replaces valine, which is neutral and non-polar, with leucine, which is neutral and non-polar, at codon 98 of the FGFRL1 protein (p.Val98Leu). This variant is present in population databases (rs776300560, gnomAD 0.06%), and has an allele count higher than expected for a pathogenic variant. In summary, the available evidence is currently insufficient to determine the role of this variant in disease. Therefore, it has been classified as a Variant of Uncertain Significance. Algorithms developed to predict the effect of missense changes on protein structure and function (SIFT, PolyPhen-2, Align-GVGD) all suggest that this variant is likely to be tolerated. This variant has not been reported in the literature in individuals affected with FGFRL1-related conditions.

NM_001004356.3(FGFRL1):c.292G>C (p.Val98Leu)

Gene: FGFRL1 (fibroblast growth factor receptor like 1; plus strand). Cytogenetic location: 4p16.3.
Variant type: single nucleotide variant.
Coding change: c.292G>C on transcript NM_001004356.3 (MANE Select); coding-DNA position 292, G replaced by C.
Protein change: p.Val98Leu; replaces valine 98 with leucine.
Molecular consequence: missense variant.
Genome position (GRCh38, 1-based): chr4:1,022,415, G>C. VCF-style: chr4-1022415-G-C. GRCh37 (hg19) VCF-style: chr4-1016203-G-C.
Other names: c.292G>C, p.Val98Leu (NM_001004358.1, NM_001370296.1, NM_021923.3); short protein forms V98L.
Identifiers: ClinVar variation 1445081 (VCV001445081.6), dbSNP rs776300560, ClinGen allele CA2802634.